The following is an entry in ClinVar:

ClinVar aggregate classification (germline): Uncertain significance (1 of 4 stars; one submission).

Conditions:
Landau-Kleffner syndrome (FESD). Also called: APHASIA, ACQUIRED, WITH EPILEPSY; EPILEPSY, FOCAL, WITH SPEECH DISORDER AND WITH OR WITHOUT MENTAL RETARDATION. Identifiers: Orphanet 1945, Orphanet 725, Orphanet 98818, MedGen C0282512, MONDO:0009509, OMIM 245570.

Submission:

Labcorp Genetics (formerly Invitae), Labcorp
Classification: Uncertain significance for RESDAD. Last evaluated: 2019-07-31. Review status: criteria provided, single submitter. Criteria: Invitae Variant Classification Sherloc (09022015). Collection method: clinical testing. Allele origin: germline.
Comment: This variant results in a copy number gain of the genomic region encompassing the full coding sequence of the GRIN2A gene. The boundaries of this event are unknown as they extend beyond the assayed region for this gene and therefore may encompass additional genes. As the precise location of this event is unknown, it may be in tandem or it may be located elsewhere in the genome. This variant has not been reported in the literature in individuals with GRIN2A-related conditions. In summary, the available evidence is currently insufficient to determine the role of this variant in disease. Therefore, it has been classified as a Variant of Uncertain Significance.

NC_000016.10:g.(?_9763129)_(10180431_?)dup

Gene: GRIN2A (glutamate ionotropic receptor NMDA type subunit 2A; minus strand). Cytogenetic location: 16p13.2.
Variant type: Duplication.
Identifiers: ClinVar variation 832875 (VCV000832875.1).